The following is an entry in ClinVar:

ClinVar aggregate classification (germline): Conflicting classifications of pathogenicity. Review status: criteria provided, conflicting classifications (1 of 4 stars). 2 submissions from 2 submitters: Likely pathogenic (1); Uncertain significance (1). Last evaluated 2026-06-18.

Conditions:
Pendred syndrome (PDS). Also called: DEAFNESS WITH GOITER; GOITER-DEAFNESS SYNDROME; HYPOTHYROIDISM, CONGENITAL, DUE TO DYSHORMONOGENESIS, 2B; THYROID DYSHORMONOGENESIS 2B; THYROID HORMONOGENESIS, GENETIC DEFECT IN, 2B; Pendred's syndrome. Identifiers: Orphanet 705, MedGen C0271829, MONDO:0010134, OMIM 274600.

Submissions (2):

Myriad Genetics, Inc.
Classification: Uncertain significance for Pendred syndrome. Last evaluated: 2026-06-18. Review status: criteria provided, single submitter. Criteria: Myriad Autosomal Dominant, Autosomal Recessive and X-Linked Classification Criteria (2023). Collection method: clinical testing. Allele origin: unknown.
Comment: NM_000441.1(SLC26A4):c.1670G>T(G557V) is a missense variant classified as a variant of uncertain significance in the context of Pendred syndrome. G557V has been observed in a case with relevant disease (PMID: 36833263, 37108562). Relevant functional assessments of this variant are not available in the literature. G557V has been observed in referenced population frequency databases. In summary, there is insufficient evidence to classify NM_000441.1(SLC26A4):c.1670G>T(G557V) as pathogenic or benign. Please note: this variant was assessed in the context of healthy population screening.

Women's Health and Genetics/Laboratory Corporation of America, LabCorp
Classification: Likely pathogenic for Pendred syndrome. Last evaluated: 2025-06-24. Review status: criteria provided, single submitter. Criteria: LabCorp Variant Classification Summary - May 2015. Collection method: clinical testing. Allele origin: germline.
Comment: Variant summary: SLC26A4 c.1670G>T (p.Gly557Val) results in a non-conservative amino acid change in the encoded protein sequence. Algorithms developed to predict the effect of missense changes on protein structure and function all suggest that this variant is likely to be disruptive. The variant allele was found at a frequency of 4e-06 in 250844 control chromosomes. c.1670G>T has been observed in settings of multigene panel testing as a biallelic genotype in individuals affected with hearing loss (e.g. Pal_2023, Badyga_2023). These data indicate that the variant may be associated with disease. To our knowledge, no experimental evidence demonstrating an impact on protein function has been reported. However, a different variant affecting the same codon has been classified as likely pathogenic (c.1670G>A, p.Gly557Asp), supporting the critical relevance of codon 557 to SLC26A4 protein function. The following publications have been ascertained in the context of this evaluation (PMID: 36833263, 37108562). No submitters have cited clinical-significance assessments for this variant to ClinVar. Based on the evidence outlined above, the variant was classified as likely pathogenic.

Literature cited by the submitters: PubMed 36833263 (cited by Myriad Genetics, Inc. and Women's Health and Genetics/Laboratory Corporation of America, LabCorp); PubMed 37108562 (cited by Myriad Genetics, Inc. and Women's Health and Genetics/Laboratory Corporation of America, LabCorp).

NM_000441.2(SLC26A4):c.1670G>T (p.Gly557Val)

Gene: SLC26A4 (solute carrier family 26 member 4; plus strand). Cytogenetic location: 7q22.3.
Variant type: single nucleotide variant.
Coding change: c.1670G>T on transcript NM_000441.2 (MANE Select); coding-DNA position 1670, G replaced by T.
Protein change: p.Gly557Val; replaces glycine 557 with valine.
Molecular consequence: missense variant.
Genome position (GRCh38, 1-based): chr7:107,700,138, G>T. VCF-style: chr7-107700138-G-T. GRCh37 (hg19) VCF-style: chr7-107340583-G-T.
Other names: short protein forms G557V.
Identifiers: ClinVar variation 3907551 (VCV003907551.2).